The following is an entry in ClinVar:

NM_006420.3(ARFGEF2):c.1059+225T>A

Gene: ARFGEF2 (ARF guanine nucleotide exchange factor 2; plus strand). Cytogenetic location: 20q13.13.
Variant type: single nucleotide variant.
Coding change: c.1059+225T>A on transcript NM_006420.3 (MANE Select); 225 bases into the intron after coding-DNA position 1059, T replaced by A.
Molecular consequence: intron variant.
Genome position (GRCh38, 1-based): chr20:48,966,248, T>A. VCF-style: chr20-48966248-T-A. GRCh37 (hg19) VCF-style: chr20-47582785-T-A.
Identifiers: ClinVar variation 678019 (VCV000678019.2), dbSNP rs2295026, ClinGen allele CA14829763.

ClinVar aggregate classification (germline): Benign. Review status: criteria provided, multiple submitters, no conflicts (2 of 4 stars). 2 submissions from 2 submitters: Benign (2). Last evaluated 2018-06-14.

Allele frequency attached by ClinVar (database versions not stated): 1000 Genomes Project 0.14996; 1000 Genomes Project 30x 0.15256; TOPMed 0.21190; gnomAD 0.21512 and 0.22281.
gnomAD v4.1: 32,830 of 152,140 alleles (22%); highest among the groups gnomAD compares: Non-Finnish European, 24%; 3,669 homozygotes.

Submissions (2):

GeneDx
Classification: Benign. Last evaluated: 2018-06-14. Review status: criteria provided, single submitter. Criteria: GeneDx Variant Classification (06012015). Collection method: clinical testing. Allele origin: germline. Affected: yes.
Comment: This variant is considered likely benign or benign based on one or more of the following criteria: it is a conservative change, it occurs at a poorly conserved position in the protein, it is predicted to be benign by multiple in silico algorithms, and/or has population frequency not consistent with disease.

Breakthrough Genomics
Classification: Benign. Review status: criteria provided, single submitter. Criteria: ACMG Guidelines, 2015. Collection method: not provided. Allele origin: germline. Inheritance: Autosomal recessive inheritance. Affected: yes.